The following is an entry in ClinVar:

ClinVar aggregate classification (germline): Uncertain significance (1 of 4 stars; one submission).

Conditions:
Inborn genetic diseases. Identifiers: MedGen C0950123, MeSH D030342.

Submission:

Ambry Genetics
Classification: Uncertain significance for Inborn genetic diseases. Last evaluated: 2024-10-21. Review status: criteria provided, single submitter. Criteria: Ambry Variant Classification Scheme 2023. Collection method: clinical testing. Allele origin: germline.
Comment: The c.877G>A (p.D293N) alteration is located in exon 6 (coding exon 6) of the MAN1B1 gene. This alteration results from a G to A substitution at nucleotide position 877, causing the aspartic acid (D) at amino acid position 293 to be replaced by an asparagine (N). Based on data from gnomAD, the A allele has an overall frequency of 0.002% (4/251390) total alleles studied. The highest observed frequency was 0.004% (4/113670) of European (non-Finnish) alleles. This amino acid position is highly conserved in available vertebrate species. The in silico prediction for this alteration is inconclusive. Based on insufficient or conflicting evidence, the clinical significance of this alteration remains unclear.

NM_016219.5(MAN1B1):c.877G>A (p.Asp293Asn)

Gene: MAN1B1 (mannosidase alpha class 1B member 1; plus strand). Cytogenetic location: 9q34.3.
Variant type: single nucleotide variant.
Coding change: c.877G>A on transcript NM_016219.5 (MANE Select); coding-DNA position 877, G replaced by A.
Protein change: p.Asp293Asn; replaces aspartic acid 293 with asparagine.
Molecular consequence: missense variant. On other transcripts: non-coding transcript variant (2).
Genome position (GRCh38, 1-based): chr9:137,099,842, G>A. VCF-style: chr9-137099842-G-A. GRCh37 (hg19) VCF-style: chr9-139994294-G-A.
Other names: short protein forms D293N.
Identifiers: ClinVar variation 3542365 (VCV003542365.1).